The following is an entry in ClinVar:

NM_001253697.2(ERBIN):c.2611C>G (p.His871Asp)

Gene: ERBIN (erbb2 interacting protein; plus strand). Cytogenetic location: 5q12.3.
Variant type: single nucleotide variant.
Coding change: c.2611C>G on transcript NM_001253697.2 (MANE Select); coding-DNA position 2611, C replaced by G.
Protein change: p.His871Asp; replaces histidine 871 with aspartic acid.
Molecular consequence: missense variant.
Genome position (GRCh38, 1-based): chr5:66,053,929, C>G. VCF-style: chr5-66053929-C-G. GRCh37 (hg19) VCF-style: chr5-65349757-C-G.
Other names: c.2611C>G, p.His871Asp (NM_001006600.3, NM_001253698.2, NM_001253699.2 and 1 more transcripts); c.2599C>G, p.His867Asp (NM_001253701.2); short protein forms H867D, H871D.
Identifiers: ClinVar variation 2798290 (VCV002798290.3), dbSNP rs754649014, ClinGen allele CA359867243.

ClinVar aggregate classification (germline): Uncertain significance (1 of 4 stars; one submission).

Submission:

Labcorp Genetics (formerly Invitae), Labcorp
Classification: Uncertain significance. Last evaluated: 2023-04-28. Review status: criteria provided, single submitter. Criteria: Invitae Variant Classification Sherloc (09022015). Collection method: clinical testing. Allele origin: germline.
Comment: An algorithm developed to predict the effect of missense changes on protein structure and function (PolyPhen-2) suggests that this variant is likely to be disruptive. In summary, the available evidence is currently insufficient to determine the role of this variant in disease. Therefore, it has been classified as a Variant of Uncertain Significance. This variant has not been reported in the literature in individuals affected with ERBIN-related conditions. This variant is not present in population databases (gnomAD no frequency). This sequence change replaces histidine, which is basic and polar, with aspartic acid, which is acidic and polar, at codon 871 of the ERBIN protein (p.His871Asp).